The following is an entry in ClinVar:

NM_000257.4(MYH7):c.2258A>G (p.His753Arg)

Gene: MYH7 (myosin heavy chain 7; minus strand). Cytogenetic location: 14q11.2.
Variant type: single nucleotide variant.
Coding change: c.2258A>G on transcript NM_000257.4 (MANE Select); coding-DNA position 2258, A replaced by G.
Protein change: p.His753Arg; replaces histidine 753 with arginine.
Molecular consequence: missense variant.
Genome position (GRCh38, 1-based): chr14:23,425,723, T>C on the plus strand (A>G on the coding strand, the complement: MYH7 is on the minus strand). VCF-style: chr14-23425723-T-C. GRCh37 (hg19) VCF-style: chr14-23894932-T-C.
Other names: c.2258A>G, p.His753Arg (NM_001407004.1); short protein forms H753R.
Identifiers: ClinVar variation 4751831 (VCV004751831.1).

ClinVar aggregate classification (germline): Uncertain significance (1 of 4 stars; one submission).

Conditions:
Hypertrophic cardiomyopathy. Also called: HYPERTROPHIC MYOCARDIOPATHY. Identifiers: Orphanet 217569, MedGen C0007194, MeSH D002312, MONDO:0005045, HP:0001639.

gnomAD v4.1: 4 of 1,614,038 alleles (0.00025%); highest among the groups gnomAD compares: Non-Finnish European, 0.00034%; no homozygotes.

Submission:

Labcorp Genetics (formerly Invitae), Labcorp
Classification: Uncertain significance for Hypertrophic cardiomyopathy. Last evaluated: 2025-09-13. Review status: criteria provided, single submitter. Criteria: Invitae Variant Classification Sherloc (09022015). Collection method: clinical testing. Allele origin: germline.
Comment: This sequence change replaces histidine, which is basic and polar, with arginine, which is basic and polar, at codon 753 of the MYH7 protein (p.His753Arg). This variant is present in population databases (no rsID available, gnomAD 0.0009%). This variant has not been reported in the literature in individuals affected with MYH7-related conditions. Invitae Evidence Modeling of protein sequence and biophysical properties (such as structural, functional, and spatial information, amino acid conservation, physicochemical variation, residue mobility, and thermodynamic stability) indicates that this missense variant is expected to disrupt MYH7 protein function with a positive predictive value of 95%. In summary, the available evidence is currently insufficient to determine the role of this variant in disease. Therefore, it has been classified as a Variant of Uncertain Significance.